The following is an entry in ClinVar:

ClinVar aggregate classification (germline): Benign (1 of 4 stars; one submission).

Conditions:
Leigh syndrome (NULS). Also called: Leigh's necrotizing encephalopathy; Leigh's disease; Leigh Syndrome (mtDNA deletion); Leigh Disease; Subacute necrotizing encephalopathy; Necrotizing encephalopathy infantile subacute of Leigh. Identifiers: Orphanet 506, MedGen C2931891, MONDO:0009723, OMIM 256000.

Submission:

Wong Mito Lab, Molecular and Human Genetics, Baylor College of Medicine
Classification: Benign for Leigh syndrome. Last evaluated: 2019-10-17. Review status: criteria provided, single submitter. Criteria: Modified ACMG Guidelines (Unpublished). Collection method: clinical testing. Allele origin: germline.
Comment: The NC_012920.1:m.5211C>T (YP_003024027.1:p.Leu248Phe) variant in MTND2 gene is interpretated to be a Benign variant based on the modified ACMG guidelines (unpublished). This variant meets the following evidence codes: BS1, BS4

NC_012920.1(MT-ND2):m.5211C>T

Gene: MT-ND2 (mitochondrially encoded NADH dehydrogenase 2; plus strand).
Variant type: single nucleotide variant.
Genome position: chrM-5211-C-T.
Identifiers: ClinVar variation 692558 (VCV000692558.1), dbSNP rs1603219834, ClinGen allele CA414779347.